The following is an entry in ClinVar:

ClinVar aggregate classification (germline): Uncertain significance (1 of 4 stars; one submission).

Submission:

GeneDx
Classification: Uncertain significance. Last evaluated: 2024-05-08. Review status: criteria provided, single submitter. Criteria: GeneDx Variant Classification Process June 2021. Collection method: clinical testing. Allele origin: germline. Affected: yes.
Comment: Not observed at significant frequency in large population cohorts (gnomAD); In silico analysis indicates that this missense variant does not alter protein structure/function; Has not been previously published as pathogenic or benign to our knowledge

NM_003718.5(CDK13):c.569G>T (p.Arg190Leu)

Genes: CDK13 (cyclin dependent kinase 13; plus strand), LOC129998293 (ATAC-STARR-seq lymphoblastoid silent region 18116; plus strand). Cytogenetic location: 7p14.1.
Variant type: single nucleotide variant.
Coding change: c.569G>T on transcript NM_003718.5 (MANE Select); coding-DNA position 569, G replaced by T.
Protein change: p.Arg190Leu; replaces arginine 190 with leucine.
Molecular consequence: missense variant.
Genome position (GRCh38, 1-based): chr7:39,951,210, G>T. VCF-style: chr7-39951210-G-T. GRCh37 (hg19) VCF-style: chr7-39990809-G-T.
Other names: c.569G>T, p.Arg190Leu (NM_031267.4); short protein forms R190L.
Identifiers: ClinVar variation 3375626 (VCV003375626.1).